The following is an entry in ClinVar:

NM_015450.3(POT1):c.938A>T (p.Asp313Val)

Gene: POT1 (protection of telomeres 1; minus strand). Cytogenetic location: 7q31.33.
Variant type: single nucleotide variant.
Coding change: c.938A>T on transcript NM_015450.3 (MANE Select); coding-DNA position 938, A replaced by T.
Protein change: p.Asp313Val; replaces aspartic acid 313 with valine.
Molecular consequence: missense variant. On other transcripts: non-coding transcript variant (3).
Genome position (GRCh38, 1-based): chr7:124,851,883, T>A on the plus strand (A>T on the coding strand, the complement: POT1 is on the minus strand). VCF-style: chr7-124851883-T-A. GRCh37 (hg19) VCF-style: chr7-124491937-T-A.
Other names: c.545A>T, p.Asp182Val (NM_001042594.2); short protein forms D182V, D313V.
Identifiers: ClinVar variation 664586 (VCV000664586.17), dbSNP rs1584764879, ClinGen allele CA369054281.
Genomic context (GRCh38, chr7:124,851,883, plus strand): 5'-TATTTTATTTAGCAAGAACTAAACTGTCAATGTTAAAGATTATCCTTACTTGGAAAGCTG[T>A]CGTCAGGTTCTGATTGACAGATAACATCTGAATGCTGATTGGCTGTCAAATTTGCAGATT-3'
Protein context (NP_056265.2, residues 303-323): SDVICQSEPD[Asp313Val]SFPSSGSVSL

ClinVar aggregate classification (germline): Uncertain significance. Review status: criteria provided, multiple submitters, no conflicts (2 of 4 stars). 3 submissions from 3 submitters: Uncertain significance (3). Last evaluated 2026-01-24.

Conditions:
Hereditary cancer-predisposing syndrome. Also called: Tumor predisposition; Neoplastic Syndromes, Hereditary; Hereditary Cancer Syndrome; Hereditary neoplastic syndrome. Identifiers: Orphanet 140162, MedGen C0027672, MeSH D009386, MONDO:0015356.
POT1-related disorder. Also called: POT1-related condition.
Tumor predisposition syndrome 3 (TPDS3). Also called: Melanoma, cutaneous malignant, susceptibility to, 10; Glioma susceptibility 9; LONG TELOMERE SYNDROME, POT1-RELATED; POT1 Tumor Predisposition. Identifiers: Orphanet 618, MedGen C4014476, MONDO:0014368, OMIM 615848.

Allele frequency attached by ClinVar (database versions not stated): gnomAD exomes below 0.00001; gnomAD 0.00001; TOPMed 0.00001.
gnomAD v4.1: 4 of 1,607,104 alleles (0.00025%); highest among the groups gnomAD compares: Non-Finnish European, 0.00034%; no homozygotes.

Submissions (3):

Labcorp Genetics (formerly Invitae), Labcorp
Classification: Uncertain significance for Tumor predisposition syndrome 3. Last evaluated: 2026-01-24. Review status: criteria provided, single submitter. Criteria: Invitae Variant Classification Sherloc (09022015). Collection method: clinical testing. Allele origin: germline.
Comment: This sequence change replaces aspartic acid, which is acidic and polar, with valine, which is neutral and non-polar, at codon 313 of the POT1 protein (p.Asp313Val). This variant is not present in population databases (gnomAD no frequency). This variant has not been reported in the literature in individuals affected with POT1-related conditions. ClinVar contains an entry for this variant (Variation ID: 664586). Invitae Evidence Modeling of protein sequence and biophysical properties (such as structural, functional, and spatial information, amino acid conservation, physicochemical variation, residue mobility, and thermodynamic stability) indicates that this missense variant is not expected to disrupt POT1 protein function with a negative predictive value of 80%. In summary, the available evidence is currently insufficient to determine the role of this variant in disease. Therefore, it has been classified as a Variant of Uncertain Significance.

Ambry Genetics
Classification: Uncertain significance for Hereditary cancer-predisposing syndrome. Last evaluated: 2024-06-08. Review status: criteria provided, single submitter. Criteria: Ambry Variant Classification Scheme 2023. Collection method: clinical testing. Allele origin: germline.
Comment: The p.D313V variant (also known as c.938A>T), located in coding exon 7 of the POT1 gene, results from an A to T substitution at nucleotide position 938. The aspartic acid at codon 313 is replaced by valine, an amino acid with highly dissimilar properties. This amino acid position is well conserved in available vertebrate species. In addition, this alteration is predicted to be tolerated by in silico analysis. Since supporting evidence is limited at this time, the clinical significance of this alteration remains unclear.

PreventionGenetics, part of Exact Sciences
Classification: Uncertain significance for POT1-related condition. Last evaluated: 2023-06-21. Review status: criteria provided, single submitter. Criteria: ACMG Guidelines, 2015. Collection method: clinical testing. Allele origin: germline.
Comment: The POT1 c.938A>T variant is predicted to result in the amino acid substitution p.Asp313Val. To our knowledge, this variant has not been reported in the literature or in a large population database, indicating this variant is rare. In ClinVar, this variant is interpreted as uncertain. At this time, the clinical significance of this variant is uncertain due to the absence of conclusive functional and genetic evidence.